The following is an entry in ClinVar:

ClinVar aggregate classification (germline): Uncertain significance (1 of 4 stars; one submission).

Conditions:
Agammaglobulinemia 7, autosomal recessive (AGM7). Also called: AGAMMAGLOBULINEMIA, AUTOSOMAL RECESSIVE, DUE TO PIK3R1 DEFECT. Identifiers: MedGen C3554689, MONDO:0014083, OMIM 615214.
SHORT syndrome. Also called: PIK3R1-Related SHORT Syndrome; LIPODYSTROPHY, PARTIAL, WITH RIEGER ANOMALY AND SHORT STATURE; SHORT STATURE, HYPEREXTENSIBILITY, HERNIA, OCULAR DEPRESSION, RIEGER ANOMALY, AND TEETHING DELAY. Identifiers: Orphanet 3163, MedGen C0878684, MONDO:0010026, OMIM 269880.
Immunodeficiency 36 with lymphoproliferation. Also called: Activated PI3K Delta Syndrome Type 2 (APDS2); Immunodeficiency 36; ACTIVATED PI3K-DELTA SYNDROME 2. Identifiers: Orphanet 397596, Orphanet 693681, MedGen C4014934, MONDO:0014453, OMIM 616005.

Allele frequency attached by ClinVar (database versions not stated): TOPMed below 0.00001.
gnomAD v4.1: 17 of 1,614,168 alleles (0.0011%); highest among the groups gnomAD compares: Non-Finnish European, 0.0014%; no homozygotes.

Submission:

Labcorp Genetics (formerly Invitae), Labcorp
Classification: Uncertain significance for SHORT syndrome; Immunodeficiency 36 with lymphoproliferation; Agammaglobulinemia 7, autosomal recessive. Last evaluated: 2023-10-22. Review status: criteria provided, single submitter. Criteria: Invitae Variant Classification Sherloc (09022015). Collection method: clinical testing. Allele origin: germline.
Comment: This sequence change replaces glutamic acid, which is acidic and polar, with lysine, which is basic and polar, at codon 650 of the PIK3R1 protein (p.Glu650Lys). This variant is present in population databases (no rsID available, gnomAD 0.0009%). This variant has not been reported in the literature in individuals affected with PIK3R1-related conditions. ClinVar contains an entry for this variant (Variation ID: 2181103). Advanced modeling of protein sequence and biophysical properties (such as structural, functional, and spatial information, amino acid conservation, physicochemical variation, residue mobility, and thermodynamic stability) performed at Invitae indicates that this missense variant is not expected to disrupt PIK3R1 protein function. In summary, the available evidence is currently insufficient to determine the role of this variant in disease. Therefore, it has been classified as a Variant of Uncertain Significance.

NM_181523.3(PIK3R1):c.1948G>A (p.Glu650Lys)

Gene: PIK3R1 (phosphoinositide-3-kinase regulatory subunit 1; plus strand). Cytogenetic location: 5q13.1.
Variant type: single nucleotide variant.
Coding change: c.1948G>A on transcript NM_181523.3 (MANE Select); coding-DNA position 1948, G replaced by A.
Protein change: p.Glu650Lys; replaces glutamic acid 650 with lysine.
Molecular consequence: missense variant.
Genome position (GRCh38, 1-based): chr5:68,296,304, G>A. VCF-style: chr5-68296304-G-A. GRCh37 (hg19) VCF-style: chr5-67592132-G-A.
Other names: c.859G>A, p.Glu287Lys (NM_001242466.2); c.1138G>A, p.Glu380Lys (NM_181504.4); c.1048G>A, p.Glu350Lys (NM_181524.2); short protein forms E350K, E287K, E380K, E650K.
Identifiers: ClinVar variation 2181103 (VCV002181103.4), dbSNP rs1436986737, ClinGen allele CA359884589.